The following is an entry in ClinVar:

ClinVar aggregate classification (germline): Conflicting classifications of pathogenicity. Review status: criteria provided, conflicting classifications (1 of 4 stars). 2 submissions from 2 submitters: Uncertain significance (1); Likely benign (1). Last evaluated 2023-02-18.

Conditions:
Cardiovascular phenotype. Identifiers: MedGen CN230736.
Noonan syndrome 8 (NS8). Identifiers: Orphanet 648, MedGen C3809233, MONDO:0014143, OMIM 615355.

Allele frequency attached by ClinVar (database versions not stated): gnomAD exomes below 0.00001.
gnomAD v4.1: 2 of 1,612,900 alleles (0.00012%); highest among the groups gnomAD compares: Non-Finnish European, 0.00017%; no homozygotes.

Submissions (2):

Labcorp Genetics (formerly Invitae), Labcorp
Classification: Uncertain significance for Noonan syndrome 8. Last evaluated: 2023-02-18. Review status: criteria provided, single submitter. Criteria: Invitae Variant Classification Sherloc (09022015). Collection method: clinical testing. Allele origin: germline.
Comment: This variant has not been reported in the literature in individuals affected with RIT1-related conditions. This sequence change affects codon 54 of the RIT1 mRNA. It is a 'silent' change, meaning that it does not change the encoded amino acid sequence of the RIT1 protein. It affects a nucleotide within the consensus splice site. This variant is present in population databases (no rsID available, gnomAD 0.0009%). ClinVar contains an entry for this variant (Variation ID: 1776803). Algorithms developed to predict the effect of sequence changes on RNA splicing suggest that this variant is not likely to affect RNA splicing. In summary, the available evidence is currently insufficient to determine the role of this variant in disease. Therefore, it has been classified as a Variant of Uncertain Significance.

Ambry Genetics
Classification: Likely benign for Cardiovascular phenotype. Last evaluated: 2022-01-28. Review status: criteria provided, single submitter. Criteria: Ambry Variant Classification Scheme 2023. Collection method: clinical testing. Allele origin: germline.

NM_006912.6(RIT1):c.162T>A (p.Ile54=)

Gene: RIT1 (Ras like without CAAX 1; minus strand). Cytogenetic location: 1q22.
Variant type: single nucleotide variant.
Coding change: c.162T>A on transcript NM_006912.6 (MANE Select); coding-DNA position 162, T replaced by A.
Protein change: p.Ile54=; no amino-acid change (isoleucine 54 retained).
Molecular consequence: synonymous variant.
Genome position (GRCh38, 1-based): chr1:155,910,451, A>T on the plus strand (T>A on the coding strand, the complement: RIT1 is on the minus strand). VCF-style: chr1-155910451-A-T. GRCh37 (hg19) VCF-style: chr1-155880242-A-T.
Other names: c.54T>A, p.Ile18= (NM_001256820.2); c.213T>A, p.Ile71= (NM_001256821.2).
Identifiers: ClinVar variation 1776803 (VCV001776803.7), dbSNP rs1474550449, ClinGen allele CA421054342.